The following is an entry in ClinVar:

NM_003835.4(RGS9):c.35C>G (p.Pro12Arg)

Gene: RGS9 (regulator of G protein signaling 9; plus strand). Cytogenetic location: 17q24.1.
Variant type: single nucleotide variant.
Coding change: c.35C>G on transcript NM_003835.4 (MANE Select); coding-DNA position 35, C replaced by G.
Protein change: p.Pro12Arg; replaces proline 12 with arginine.
Molecular consequence: missense variant.
Genome position (GRCh38, 1-based): chr17:65,137,575, C>G. VCF-style: chr17-65137575-C-G. GRCh37 (hg19) VCF-style: chr17-63133693-C-G.
Other names: c.35C>G, p.Pro12Arg (NM_001081955.3, NM_001165933.2); short protein forms P12R.
Identifiers: ClinVar variation 1359815 (VCV001359815.6), dbSNP rs2143936458, ClinGen allele CA400660312.

ClinVar aggregate classification (germline): Uncertain significance (1 of 4 stars; one submission).

Submission:

Labcorp Genetics (formerly Invitae), Labcorp
Classification: Uncertain significance. Last evaluated: 2021-12-08. Review status: criteria provided, single submitter. Criteria: Invitae Variant Classification Sherloc (09022015). Collection method: clinical testing. Allele origin: germline.
Comment: In summary, the available evidence is currently insufficient to determine the role of this variant in disease. Therefore, it has been classified as a Variant of Uncertain Significance. Algorithms developed to predict the effect of missense changes on protein structure and function are either unavailable or do not agree on the potential impact of this missense change (SIFT: "Deleterious"; PolyPhen-2: "Probably Damaging"; Align-GVGD: "Class C0"). This variant has not been reported in the literature in individuals affected with RGS9-related conditions. This variant is not present in population databases (gnomAD no frequency). This sequence change replaces proline, which is neutral and non-polar, with arginine, which is basic and polar, at codon 12 of the RGS9 protein (p.Pro12Arg).